The following is an entry in ClinVar:

ClinVar aggregate classification (germline): Uncertain significance (1 of 4 stars; one submission).

Conditions:
Hyperekplexia 2 (HKPX2). Identifiers: Orphanet 3197, MedGen C3553291, MONDO:0013828, OMIM 614619.

Allele frequency attached by ClinVar (database versions not stated): gnomAD exomes below 0.00001; gnomAD 0.00001; TOPMed 0.00001.
gnomAD v4.1: 2 of 1,609,504 alleles (0.00012%); highest among the groups gnomAD compares: Admixed American, 0.0033%; no homozygotes.

Submission:

Labcorp Genetics (formerly Invitae), Labcorp
Classification: Uncertain significance for Hyperekplexia 2. Last evaluated: 2022-02-11. Review status: criteria provided, single submitter. Criteria: Invitae Variant Classification Sherloc (09022015). Collection method: clinical testing. Allele origin: germline.
Comment: This variant is present in population databases (no rsID available, gnomAD 0.006%). This sequence change replaces leucine, which is neutral and non-polar, with proline, which is neutral and non-polar, at codon 475 of the GLRB protein (p.Leu475Pro). This variant has not been reported in the literature in individuals affected with GLRB-related conditions. In summary, the available evidence is currently insufficient to determine the role of this variant in disease. Therefore, it has been classified as a Variant of Uncertain Significance. Advanced modeling of protein sequence and biophysical properties (such as structural, functional, and spatial information, amino acid conservation, physicochemical variation, residue mobility, and thermodynamic stability) performed at Invitae indicates that this missense variant is not expected to disrupt GLRB protein function.

NM_000824.5(GLRB):c.1424T>C (p.Leu475Pro)

Gene: GLRB (glycine receptor beta; plus strand). Cytogenetic location: 4q32.1.
Variant type: single nucleotide variant.
Coding change: c.1424T>C on transcript NM_000824.5 (MANE Select); coding-DNA position 1424, T replaced by C.
Protein change: p.Leu475Pro; replaces leucine 475 with proline.
Molecular consequence: missense variant. On other transcripts: 3 prime UTR variant (1).
Genome position (GRCh38, 1-based): chr4:157,170,658, T>C. VCF-style: chr4-157170658-T-C. GRCh37 (hg19) VCF-style: chr4-158091810-T-C.
Other names: c.1424T>C, p.Leu475Pro (NM_001166060.2); c.*219T>C (NM_001166061.2); short protein forms L475P.
Identifiers: ClinVar variation 1940992 (VCV001940992.3), dbSNP rs1164138560, ClinGen allele CA358645354.
Genomic context (GRCh38, chr4:157,170,658, plus strand): 5'-ACAACAAGAAGCCTCCCCCTGCGAAACCTGTTATTCCAACAGCAGCAAAGCGAATTGATC[T>C]TTATGCAAGAGCATTGTTTCCTTTCTGCTTCTTGTTCTTCAATGTTATATATTGGTCTAT-3'
Protein context (NP_000815.1, residues 465-485): VIPTAAKRID[Leu475Pro]YARALFPFCF